The following is an entry in ClinVar:

NM_000380.4(XPA):c.529G>A (p.Asp177Asn)

Gene: XPA (XPA, DNA damage recognition and repair factor; minus strand). Cytogenetic location: 9q22.33.
Variant type: single nucleotide variant.
Coding change: c.529G>A on transcript NM_000380.4 (MANE Select); coding-DNA position 529, G replaced by A.
Protein change: p.Asp177Asn; replaces aspartic acid 177 with asparagine.
Molecular consequence: missense variant. On other transcripts: non-coding transcript variant (4).
Genome position (GRCh38, 1-based): chr9:97,687,122, C>T on the plus strand (G>A on the coding strand, the complement: XPA is on the minus strand). VCF-style: chr9-97687122-C-T. GRCh37 (hg19) VCF-style: chr9-100449404-C-T.
Other names: c.403G>A, p.Asp135Asn (NM_001354975.2); short protein forms D135N, D177N.
Identifiers: ClinVar variation 4535888 (VCV004535888.1).

ClinVar aggregate classification (germline): Likely pathogenic (1 of 4 stars; one submission).

Conditions:
Xeroderma pigmentosum (XP). Identifiers: Orphanet 910, MedGen C0043346, MONDO:0019600.

Submission:

Women's Health and Genetics/Laboratory Corporation of America, LabCorp
Classification: Likely pathogenic for Xeroderma pigmentosum. Last evaluated: 2025-09-02. Review status: criteria provided, single submitter. Criteria: LabCorp Variant Classification Summary - May 2015. Collection method: clinical testing. Allele origin: germline.
Comment: Variant summary: XPA c.529G>A (p.Asp177Asn) results in a conservative amino acid change in the encoded protein sequence. Algorithms developed to predict the effect of missense changes on protein structure and function are either unavailable or do not agree on the potential impact of this missense change. At least one publication reports experimental evidence that this variant affects mRNA splicing that is expected to result in a frameshift with a premature termination (Takahashi_2017). The variant was absent in 250326 control chromosomes. c.529G>A has been observed in a homozygous individuals affected with Xeroderma Pigmentosum (Takahashi_2017). These data indicate that the variant may be associated with disease. At least one publication reports experimental evidence evaluating an impact on protein function in cells derived from an affected individual and shows only a trace amount of normal protein expressed and reduced DNA repair capacity (Takahashi_2017). The following publication has been ascertained in the context of this evaluation (PMID: 27603812). No submitters have cited clinical-significance assessments for this variant to ClinVar. Based on the evidence outlined above, the variant was classified as likely pathogenic.

Literature cited by the submitters: PubMed 27603812.